The following is an entry in ClinVar:

NM_015978.3(TNNI3K):c.543+5_543+6delinsTA

Genes: FPGT-TNNI3K (FPGT-TNNI3K readthrough; plus strand), TNNI3K (TNNI3 interacting kinase; plus strand). Cytogenetic location: 1p31.1.
Variant type: Indel.
Coding change: c.543+5_543+6delinsTA on transcript NM_015978.3 (MANE Select); bases 5 to 6 of the intron after coding-DNA position 543, GT replaced by TA.
Molecular consequence: intron variant.
Genome position (GRCh38, 1-based): chr1:74,331,553-74,331,554, GT replaced by TA. VCF-style: chr1-74331553-GT-TA. GRCh37 (hg19) VCF-style: chr1-74797237-GT-TA.
Other names: c.846+5_846+6delinsTA (NM_001112808.3, NM_001199327.2).
Identifiers: ClinVar variation 3726103 (VCV003726103.2).

ClinVar aggregate classification (germline): Uncertain significance (1 of 4 stars; one submission).

Submission:

Labcorp Genetics (formerly Invitae), Labcorp
Classification: Uncertain significance. Last evaluated: 2024-11-26. Review status: criteria provided, single submitter. Criteria: Invitae Variant Classification Sherloc (09022015). Collection method: clinical testing. Allele origin: germline.
Comment: This sequence change falls in intron 6 of the TNNI3K gene. It does not directly change the encoded amino acid sequence of the TNNI3K protein. It affects a nucleotide within the consensus splice site. Information on the frequency of this variant in the gnomAD database is not available, as this variant may be reported differently in the database. This variant has not been reported in the literature in individuals affected with TNNI3K-related conditions. Variants that disrupt the consensus splice site are a relatively common cause of aberrant splicing (PMID: 17576681, 9536098). Experimental studies and prediction algorithms are not available or were not evaluated, and the effect of this variant on mRNA splicing is currently unknown. In summary, the available evidence is currently insufficient to determine the role of this variant in disease. Therefore, it has been classified as a Variant of Uncertain Significance.

Literature cited by the submitters: PubMed 17576681; PubMed 9536098.